The following is an entry in ClinVar:

NM_004304.5(ALK):c.1249G>C (p.Val417Leu)

Gene: ALK (ALK receptor tyrosine kinase; minus strand). Cytogenetic location: 2p23.2.
Variant type: single nucleotide variant.
Coding change: c.1249G>C on transcript NM_004304.5 (MANE Select); coding-DNA position 1249, G replaced by C.
Protein change: p.Val417Leu; replaces valine 417 with leucine.
Molecular consequence: missense variant.
Genome position (GRCh38, 1-based): chr2:29,383,765, C>G on the plus strand (G>C on the coding strand, the complement: ALK is on the minus strand). VCF-style: chr2-29383765-C-G. GRCh37 (hg19) VCF-style: chr2-29606631-C-G.
Other names: short protein forms V417L.
Identifiers: ClinVar variation 538232 (VCV000538232.11), dbSNP rs886055931, ClinGen allele CA346585146.
Genomic context (GRCh38, chr2:29,383,765, plus strand): 5'-GAGCGTGGGAAAGCCAGATTCAGATACCTTCACTGCAGTTCTTCAGGGCAAAGAAGTCCA[C>G]TGCAGACAAGCTGCGGTTTCCACTGGAGATGTATTCCAGGGCCACTCGAAATGGGTTGTC-3'
Protein context (NP_004295.2, residues 407-427): ISSGNRSLSA[Val417Leu]DFFALKNCSE

ClinVar aggregate classification (germline): Uncertain significance. Review status: criteria provided, multiple submitters, no conflicts (2 of 4 stars). 2 submissions from 2 submitters: Uncertain significance (2). Last evaluated 2026-02-03.

Conditions:
Hereditary cancer-predisposing syndrome. Also called: Neoplastic Syndromes, Hereditary; Tumor predisposition; Hereditary Cancer Syndrome; Hereditary neoplastic syndrome. Identifiers: Orphanet 140162, MedGen C0027672, MeSH D009386, MONDO:0015356.
Neuroblastoma, susceptibility to, 3. Also called: ALK-Related Neuroblastic Tumor Susceptibility. Identifiers: Orphanet 635, MedGen C2751681, MONDO:0013083, OMIM 613014.

Allele frequency attached by ClinVar (database versions not stated): gnomAD 0.00001; gnomAD exomes 0.00001; TOPMed 0.00001.
gnomAD v4.1: 25 of 1,614,052 alleles (0.0015%); highest among the groups gnomAD compares: Admixed American, 0.0033%; no homozygotes.

Submissions (2):

Labcorp Genetics (formerly Invitae), Labcorp
Classification: Uncertain significance for Neuroblastoma, susceptibility to, 3. Last evaluated: 2026-02-03. Review status: criteria provided, single submitter. Criteria: Invitae Variant Classification Sherloc (09022015). Collection method: clinical testing. Allele origin: germline.
Comment: This sequence change replaces valine, which is neutral and non-polar, with leucine, which is neutral and non-polar, at codon 417 of the ALK protein (p.Val417Leu). This variant is present in population databases (no rsID available, gnomAD 0.006%). This variant has not been reported in the literature in individuals affected with ALK-related conditions. ClinVar contains an entry for this variant (Variation ID: 538232). An algorithm developed to predict the effect of missense changes on protein structure and function (PolyPhen-2) suggests that this variant is likely to be tolerated. In summary, the available evidence is currently insufficient to determine the role of this variant in disease. Therefore, it has been classified as a Variant of Uncertain Significance.

Ambry Genetics
Classification: Uncertain significance for Hereditary cancer-predisposing syndrome. Last evaluated: 2024-02-25. Review status: criteria provided, single submitter. Criteria: Ambry Variant Classification Scheme 2023. Collection method: clinical testing. Allele origin: germline.
Comment: The p.V417L variant (also known as c.1249G>C), located in coding exon 5 of the ALK gene, results from a G to C substitution at nucleotide position 1249. The valine at codon 417 is replaced by leucine, an amino acid with highly similar properties. This amino acid position is conserved. In addition, this alteration is predicted to be tolerated by in silico analysis. Since supporting evidence is limited at this time, the clinical significance of this alteration remains unclear.